The following is an entry in ClinVar:

ClinVar aggregate classification (germline): Pathogenic (1 of 4 stars; one submission).

Conditions:
Immunodeficiency 28 (IMD28). Also called: IFNGR2 DEFICIENCY. Identifiers: Orphanet 319547, Orphanet 319574, MedGen C4013947, MONDO:0013953, OMIM 614889.

Submission:

Labcorp Genetics (formerly Invitae), Labcorp
Classification: Pathogenic for Immunodeficiency 28. Last evaluated: 2020-07-09. Review status: criteria provided, single submitter. Criteria: Invitae Variant Classification Sherloc (09022015). Collection method: clinical testing. Allele origin: germline.
Comment: This sequence change creates a premature translational stop signal (p.Thr237Asnfs*8) in the IFNGR2 gene. It is expected to result in an absent or disrupted protein product. This variant is not present in population databases (ExAC no frequency). This variant has not been reported in the literature in individuals with IFNGR2-related conditions. Loss-of-function variants in IFNGR2 are known to be pathogenic (PMID: 23161749, 25135595). For these reasons, this variant has been classified as Pathogenic.

Literature cited by the submitters: PubMed 23161749; PubMed 25135595.

NM_005534.4(IFNGR2):c.709dup (p.Thr237fs)

Gene: IFNGR2 (interferon gamma receptor 2; plus strand). Cytogenetic location: 21q22.11.
Variant type: Duplication.
Coding change: c.709dup on transcript NM_005534.4 (MANE Select); coding-DNA position 709, one base duplicated (A; older notation c.709dupA).
Protein change: p.Thr237fs; shifts the reading frame from threonine 237.
Molecular consequence: frameshift variant.
Genome position (GRCh38, 1-based): chr21:33,432,324, A duplicated; the last of 3 consecutive A bases (chr21:33,432,322-33,432,324); duplicating any one gives the same sequence. VCF-style (leftmost placement, unchanged base first): chr21-33432321-G-GA. GRCh37 (hg19) VCF-style: chr21-34804628-G-GA.
Other names: c.766dup, p.Thr256fs (NM_001329128.2); short protein forms T237fs, T256fs.
Identifiers: ClinVar variation 1075480 (VCV001075480.2), dbSNP rs2123368937, ClinGen allele CA2499225863.
Genomic context (GRCh38, chr21:33,432,321, plus strand): 5'-CTGCTTTGGAACAAAAGTAACATCTTTAGAGTCGGGCATTTAAGCAACATATCTTGCTAC[G>GA]AAACAATGGCAGATGGTAAAATATACCTTCTTATGTCCTTTCTGAACTGGGAAAAGAATA-3'